The following is an entry in ClinVar:

ClinVar aggregate classification (germline): Uncertain significance (1 of 4 stars; one submission).

Allele frequency attached by ClinVar (database versions not stated): TOPMed below 0.00001; gnomAD 0.00001; gnomAD exomes 0.00002.
gnomAD v4.1: 31 of 1,576,868 alleles (0.002%); highest among the groups gnomAD compares: Non-Finnish European, 0.0025%; no homozygotes.

Submission:

Labcorp Genetics (formerly Invitae), Labcorp
Classification: Uncertain significance. Last evaluated: 2021-12-29. Review status: criteria provided, single submitter. Criteria: Invitae Variant Classification Sherloc (09022015). Collection method: clinical testing. Allele origin: germline.
Comment: In summary, the available evidence is currently insufficient to determine the role of this variant in disease. Therefore, it has been classified as a Variant of Uncertain Significance. Algorithms developed to predict the effect of missense changes on protein structure and function are either unavailable or do not agree on the potential impact of this missense change (SIFT: "Tolerated"; PolyPhen-2: "Probably Damaging"; Align-GVGD: "Class C0"). This variant has not been reported in the literature in individuals affected with HSPG2-related conditions. This variant is not present in population databases (gnomAD no frequency). This sequence change replaces valine, which is neutral and non-polar, with methionine, which is neutral and non-polar, at codon 4035 of the HSPG2 protein (p.Val4035Met).

NM_005529.7(HSPG2):c.12103G>A (p.Val4035Met)

Gene: HSPG2 (heparan sulfate proteoglycan 2; minus strand). Cytogenetic location: 1p36.12.
Variant type: single nucleotide variant.
Coding change: c.12103G>A on transcript NM_005529.7 (MANE Select); coding-DNA position 12103, G replaced by A.
Protein change: p.Val4035Met; replaces valine 4035 with methionine.
Molecular consequence: missense variant.
Genome position (GRCh38, 1-based): chr1:21,828,969, C>T on the plus strand (G>A on the coding strand, the complement: HSPG2 is on the minus strand). VCF-style: chr1-21828969-C-T. GRCh37 (hg19) VCF-style: chr1-22155462-C-T.
Other names: c.12106G>A, p.Val4036Met (NM_001291860.2); short protein forms V4035M, V4036M.
Identifiers: ClinVar variation 1979195 (VCV001979195.4), dbSNP rs910977835, ClinGen allele CA19091181.